The following is an entry in ClinVar:

ClinVar aggregate classification (germline): Pathogenic/Likely pathogenic. Review status: criteria provided, multiple submitters, no conflicts (2 of 4 stars). 6 submissions from 6 submitters: Pathogenic (5); Likely pathogenic (1). Last evaluated 2023-04-11.

Conditions:
Congenital contractures of the limbs and face, hypotonia, and developmental delay (CLIFAHDD). Identifiers: Orphanet 562528, MedGen C4225398, MONDO:0014556, OMIM 616266.
Arthrogryposis syndrome. Identifiers: Orphanet 109007, MedGen CN261653, MONDO:0015225.

Submissions (6):

Baylor Genetics
Classification: Pathogenic for Congenital contractures of the limbs and face, hypotonia, and developmental delay. Last evaluated: 2023-04-11. Review status: criteria provided, single submitter. Criteria: ACMG Guidelines, 2015. Collection method: clinical testing. Allele origin: unknown.

Institute of Human Genetics Munich, TUM University Hospital
Classification: Pathogenic for Congenital contractures of the limbs and face, hypotonia, and developmental delay. Last evaluated: 2020-02-25. Review status: criteria provided, single submitter. Criteria: Classification criteria August 2017. Collection method: clinical testing. Allele origin: de novo. Inheritance: Autosomal dominant inheritance. Affected: yes. Observed: 1 heterozygote.

CeGaT Center for Human Genetics Tuebingen
Classification: Likely pathogenic. Last evaluated: 2019-09-01. Review status: criteria provided, single submitter. Criteria: CeGaT Center For Human Genetics Tuebingen Variant Classification Criteria Version 2. Collection method: clinical testing. Allele origin: germline. Affected: yes. Observed: 3 variant alleles.

Cambridge Genomics Laboratory, East Genomic Laboratory Hub, NHS Genomic Medicine Service
Classification: Pathogenic for Arthrogryposis syndrome. Last evaluated: 2019-04-17. Review status: criteria provided, single submitter. Criteria: ACGS Best Practice Guidelines for Variant Classification in Rare Disease 2020. Collection method: clinical testing. Allele origin: germline. Affected: yes. Observed: 1 variant allele.

GeneDx
Classification: Pathogenic. Last evaluated: 2016-09-08. Review status: criteria provided, single submitter. Criteria: GeneDx Variant Classification (06012015). Collection method: clinical testing. Allele origin: germline. Affected: yes.
Comment: A pathogenic variant at the same residue (Y578S) was reported as a de novo variant in an individual with CLIFAHDD syndrome and in vitro functional studies showed that the Y578S mutation acts in a dominant-negative fashion, nearly abolishing the expression of wild-type NALCN (Chong et al., 2015). The Y578C variant was not observed in approximately 6,500 individuals of European and African American ancestry in the NHLBI Exome Sequencing Project, indicating it is not a common benign variant in these populations. The Y578C variant is a non-conservative amino acid substitution, which is likely to impact secondary protein structure as these residues differ in polarity, charge, size and/or other properties. This substitution occurs at a position that is conserved across species. In silico analysis predicts this variant is probably damaging to the protein structure/function. We interpret Y578C as a pathogenic variant.

Kasturba Medical College, Manipal, Kasturba Medical College, Manipal, Manipal Academy of Higher Education, Manipal, India
Classification: Pathogenic for Congenital contractures of the limbs and face, hypotonia, and developmental delay. Review status: criteria provided, single submitter. Criteria: ACMG Guidelines, 2015. Collection method: research. Allele origin: de novo. Inheritance: Autosomal dominant inheritance. Affected: yes. Observed: 1 heterozygote.
Comment: This variant is absent in heterozygous and homozygous state in the gnomAD population database and our in-house database of 2945 exomes. In silico prediction tools (MutationTaster, CADD_phred, MCAP, ClinPred) are consistent in predicting the variant to be damaging to the protein function. Thus, the above-mentioned variant in a heterozygous state is interpreted to be the likely cause of the condition observed in the proband.

Literature cited by the submitters: PubMed 27681385 (cited by GeneDx).

NM_052867.4(NALCN):c.1733A>G (p.Tyr578Cys)

Gene: NALCN (sodium leak channel, non-selective; minus strand). Cytogenetic location: 13q33.1.
Variant type: single nucleotide variant.
Coding change: c.1733A>G on transcript NM_052867.4 (MANE Select); coding-DNA position 1733, A replaced by G.
Protein change: p.Tyr578Cys; replaces tyrosine 578 with cysteine.
Molecular consequence: missense variant.
Genome position (GRCh38, 1-based): chr13:101,191,948, T>C on the plus strand (A>G on the coding strand, the complement: NALCN is on the minus strand). VCF-style: chr13-101191948-T-C. GRCh37 (hg19) VCF-style: chr13-101844299-T-C.
Other names: c.1733A>G, p.Tyr578Cys (NM_001350748.2, NM_001350749.2); c.1646A>G, p.Tyr549Cys (NM_001350750.2, NM_001350751.2); short protein forms Y578C, Y549C.
Identifiers: ClinVar variation 254646 (VCV000254646.48), dbSNP rs786203988, ClinGen allele CA388703427.